The following is an entry in ClinVar:

NM_004187.5(KDM5C):c.44C>G (p.Pro15Arg)

Genes: KDM5C (lysine demethylase 5C; minus strand), LOC130068308 (ATAC-STARR-seq lymphoblastoid active region 29656; plus strand). Cytogenetic location: Xp11.22.
Variant type: single nucleotide variant.
Coding change: c.44C>G on transcript NM_004187.5 (MANE Select); coding-DNA position 44, C replaced by G.
Protein change: p.Pro15Arg; replaces proline 15 with arginine.
Molecular consequence: missense variant. On other transcripts: non-coding transcript variant (3).
Genome position (GRCh38, 1-based): chrX:53,224,846, G>C on the plus strand (C>G on the coding strand, the complement: KDM5C is on the minus strand). VCF-style: chrX-53224846-G-C. GRCh37 (hg19) VCF-style: chrX-53254028-G-C.
Other names: c.44C>G, p.Pro15Arg (NM_001146702.2, NM_001282622.3, NM_001353978.3 and 4 more transcripts); short protein forms P15R.
Identifiers: ClinVar variation 4072520 (VCV004072520.2).

ClinVar aggregate classification (germline): Uncertain significance. Review status: criteria provided, multiple submitters, no conflicts (2 of 4 stars). 2 submissions from 2 submitters: Uncertain significance (2). Last evaluated 2025-10-07.

Conditions:
Spastic paraplegia. Identifiers: MedGen C0037772, HP:0001258.

Submissions (2):

Labcorp Genetics (formerly Invitae), Labcorp
Classification: Uncertain significance for Spastic paraplegia. Last evaluated: 2025-10-07. Review status: criteria provided, single submitter. Criteria: Invitae Variant Classification Sherloc (09022015). Collection method: clinical testing. Allele origin: germline.
Comment: This sequence change replaces proline, which is neutral and non-polar, with arginine, which is basic and polar, at codon 15 of the KDM5C protein (p.Pro15Arg). This variant is not present in population databases (gnomAD no frequency). This variant has not been reported in the literature in individuals affected with KDM5C-related conditions. ClinVar contains an entry for this variant (Variation ID: 4072520). Invitae Evidence Modeling of protein sequence and biophysical properties (such as structural, functional, and spatial information, amino acid conservation, physicochemical variation, residue mobility, and thermodynamic stability) indicates that this missense variant is expected to disrupt KDM5C protein function with a positive predictive value of 95%. In summary, the available evidence is currently insufficient to determine the role of this variant in disease. Therefore, it has been classified as a Variant of Uncertain Significance.

GeneDx
Classification: Uncertain significance. Last evaluated: 2025-01-22. Review status: criteria provided, single submitter. Criteria: GeneDx Variant Classification Process June 2021. Collection method: clinical testing. Allele origin: germline. Affected: yes.
Comment: Not observed at significant frequency in large population cohorts (gnomAD); In silico analysis supports that this missense variant has a deleterious effect on protein structure/function; Has not been previously published as pathogenic or benign to our knowledge